The following is an entry in ClinVar:

ClinVar aggregate classification (germline): Uncertain significance. Review status: criteria provided, multiple submitters, no conflicts (2 of 4 stars). 3 submissions from 3 submitters: Uncertain significance (3). Last evaluated 2025-06-01.

Conditions:
Cardiovascular phenotype. Identifiers: MedGen CN230736.
Hereditary cancer-predisposing syndrome. Also called: Hereditary neoplastic syndrome; Tumor predisposition; Hereditary Cancer Syndrome; Neoplastic Syndromes, Hereditary. Identifiers: Orphanet 140162, MedGen C0027672, MeSH D009386, MONDO:0015356.
Neurofibromatosis, type 1 (NF1). Also called: VON RECKLINGHAUSEN DISEASE; NEUROFIBROMATOSIS, TYPE I, SOMATIC; Neurofibromatosis, type I; Peripheral type neurofibromatosis. Identifiers: Orphanet 636, MedGen C0027831, MONDO:0018975, OMIM 162200. Disease mechanism: loss of function.

Submissions (3):

Ambry Genetics
Classification: Uncertain significance for Cardiovascular phenotype; Hereditary cancer-predisposing syndrome. Last evaluated: 2025-06-01. Review status: criteria provided, single submitter. Criteria: Ambry Variant Classification Scheme 2023. Collection method: clinical testing. Allele origin: germline.
Comment: The p.N149S variant (also known as c.446A>G), located in coding exon 4 of the NF1 gene, results from an A to G substitution at nucleotide position 446. The asparagine at codon 149 is replaced by serine, an amino acid with highly similar properties. This amino acid position is conserved. In addition, the in silico prediction for this alteration is inconclusive. Based on the available evidence, the clinical significance of this variant remains unclear.

GeneDx
Classification: Uncertain significance. Last evaluated: 2022-04-11. Review status: criteria provided, single submitter. Criteria: GeneDx Variant Classification Process June 2021. Collection method: clinical testing. Allele origin: germline. Affected: yes.
Comment: Not observed at significant frequency in large population cohorts (gnomAD); In silico analysis supports that this missense variant does not alter protein structure/function; Has not been previously published as pathogenic or benign to our knowledge

Labcorp Genetics (formerly Invitae), Labcorp
Classification: Uncertain significance for Neurofibromatosis, type 1. Last evaluated: 2021-11-05. Review status: criteria provided, single submitter. Criteria: Invitae Variant Classification Sherloc (09022015). Collection method: clinical testing. Allele origin: germline.
Comment: In summary, the available evidence is currently insufficient to determine the role of this variant in disease. Therefore, it has been classified as a Variant of Uncertain Significance. Algorithms developed to predict the effect of missense changes on protein structure and function are either unavailable or do not agree on the potential impact of this missense change (SIFT: "Tolerated"; PolyPhen-2: "Probably Damaging"; Align-GVGD: "Class C0"). This variant has not been reported in the literature in individuals affected with NF1-related conditions. This variant is not present in population databases (gnomAD no frequency). This sequence change replaces asparagine, which is neutral and polar, with serine, which is neutral and polar, at codon 149 of the NF1 protein (p.Asn149Ser).

NM_001042492.3(NF1):c.446A>G (p.Asn149Ser)

Gene: NF1 (neurofibromin 1; plus strand). Cytogenetic location: 17q11.2.
Variant type: single nucleotide variant.
Coding change: c.446A>G on transcript NM_001042492.3 (MANE Select); coding-DNA position 446, A replaced by G.
Protein change: p.Asn149Ser; replaces asparagine 149 with serine.
Molecular consequence: missense variant.
Genome position (GRCh38, 1-based): chr17:31,163,343, A>G. VCF-style: chr17-31163343-A-G. GRCh37 (hg19) VCF-style: chr17-29490361-A-G.
Other names: c.446A>G, p.Asn149Ser (NM_000267.4, NM_001128147.3); short protein forms N149S.
Identifiers: ClinVar variation 1429676 (VCV001429676.8), dbSNP rs2143673370, ClinGen allele CA398981967.